The following is an entry in ClinVar:

NM_152269.5(MTRFR):c.210del (p.Gly72fs)

Gene: MTRFR (mitochondrial translation release factor in rescue; plus strand). Cytogenetic location: 12q24.31.
Variant type: Deletion.
Coding change: c.210del on transcript NM_152269.5 (MANE Select); coding-DNA position 210, one base deleted (A; older notation c.210delA).
Protein change: p.Gly72fs; shifts the reading frame from glycine 72.
Molecular consequence: frameshift variant.
Genome position (GRCh38, 1-based): chr12:123,253,884, A deleted. VCF-style (leftmost placement, unchanged base first): chr12-123253883-CA-C. GRCh37 (hg19) VCF-style: chr12-123738430-CA-C.
Other names: MTRFR, 1-BP DEL, 210A; p.Gly72Alafs*13; c.210del, p.Gly72fs (NM_001143905.2, NM_001194995.1); c.210delA (NM_152269.4); short protein forms G72fs.
Identifiers: ClinVar variation 54 (VCV000000054.73), dbSNP rs576462794, ClinGen allele CA113825.

ClinVar aggregate classification (germline): Pathogenic/Likely pathogenic. Review status: criteria provided, multiple submitters, no conflicts (2 of 4 stars). 14 submissions from 14 submitters: Pathogenic (9); Likely pathogenic (2). 3 of the submissions do not count toward it. Last evaluated 2026-09-15.

Conditions:
Fetal anomalies with a likely genetic cause.
MTRFR-related disorder. Also called: MTRFR-related condition.
C12ORF65 & MTRFR-related disorders.
Combined oxidative phosphorylation defect type 7. Identifiers: Orphanet 254930, MedGen C3150801, MONDO:0013306, OMIM 613559.
Spastic paraplegia. Identifiers: MedGen C0037772, HP:0001258.

Allele frequency attached by ClinVar (database versions not stated): ESP Exome Variant Server 0.00008; TOPMed 0.00010; gnomAD 0.00016; ExAC 0.00018; gnomAD exomes 0.00018 and 0.00023.

Submissions (14):

PreventionGenetics, part of Exact Sciences
Classification: Pathogenic for MTRFR-related condition. Last evaluated: 2026-09-15. Review status: criteria provided, single submitter. Criteria: ACMG Guidelines, 2015. Collection method: clinical testing. Allele origin: germline.
Comment: The MTRFR c.210delA variant is predicted to result in a frameshift and premature protein termination (p.Gly72Alafs*13). This variant has been reported in the homozygous state or compound heterozygous state with a second MTRFR (C12orf65) variant in multiple individuals with autosomal recessive combined oxidative phosphorylation deficiency 7 (Antonicka et al. 2010. PubMed ID: 20598281; Heidary et al. 2014. PubMed ID: 24284555; Wesolowska et al. 2015. PubMed ID: 27858754; Table S1, Alves et al. 2020. PubMed ID: 32445240; Table S3, Macken et al. 2022. PubMed ID: 36344503). In vitro studies of patient fibroblasts showed reduced mitochondrial complex IV activity and expression relative to controls (Heidary et al. 2014. PubMed ID: 24284555; Wesolowska et al. 2015. PubMed ID: 27858754). This variant is reported in 0.035% of alleles in individuals of European (Non-Finnish) descent in gnomAD. Frameshift variants in MTRFR are expected to be pathogenic. This variant is interpreted as pathogenic.

Genetics Laboratory, Great Ormond Street Hospital NHS Foundation Trust, North Thames Genomic Laboratory Hub
Classification: Likely pathogenic for Fetal anomalies with a likely genetic cause. Last evaluated: 2026-08-04. Review status: criteria provided, single submitter. Criteria: ACGS Best Practice Guidelines for Variant Classification in Rare Disease 2024 v1.2. Collection method: clinical testing. Allele origin: germline. Affected: yes.
Comment: PS4_moderate, PVS1_strong

Mayo Clinic Laboratories, Mayo Clinic
Classification: Pathogenic. Last evaluated: 2025-07-10. Review status: criteria provided, single submitter. Criteria: ACMG Guidelines, 2015. Collection method: clinical testing. Allele origin: germline. Observed: 3 variant alleles.
Comment: PP1, PM2_moderate, PM3, PVS1

Labcorp Genetics (formerly Invitae), Labcorp
Classification: Pathogenic for Combined oxidative phosphorylation defect type 7; Spastic paraplegia. Last evaluated: 2025-07-02. Review status: criteria provided, single submitter. Criteria: Invitae Variant Classification Sherloc (09022015). Collection method: clinical testing. Allele origin: germline.
Comment: This sequence change creates a premature translational stop signal (p.Gly72Alafs*13) in the C12orf65 gene. While this is not anticipated to result in nonsense mediated decay, it is expected to disrupt the last 95 amino acid(s) of the C12orf65 protein. This variant is present in population databases (rs576462794, gnomAD 0.03%). This premature translational stop signal has been observed in individual(s) with clinical features of C12orf65-related conditions (PMID: 20598281, 24284555, 27858754). In at least one individual the data is consistent with being in trans (on the opposite chromosome) from a pathogenic variant. It has also been observed to segregate with disease in related individuals. ClinVar contains an entry for this variant (Variation ID: 54). Algorithms developed to predict the effect of sequence changes on RNA splicing suggest that this variant may disrupt the consensus splice site. For these reasons, this variant has been classified as Pathogenic.

Blueprint Genetics
Classification: Pathogenic for C12ORF65 & MTRFR-related disorders. Last evaluated: 2023-10-04. Review status: criteria provided, single submitter. Criteria: ACMG Guidelines, 2015. Collection method: clinical testing. Allele origin: germline. Affected: yes. Observed: 5 variant alleles.

CeGaT Center for Human Genetics Tuebingen
Classification: Pathogenic. Last evaluated: 2023-09-01. Review status: criteria provided, single submitter. Criteria: CeGaT Center For Human Genetics Tuebingen Variant Classification Criteria Version 2. Collection method: clinical testing. Allele origin: germline. Affected: yes. Observed: 3 variant alleles.
Comment: MTRFR: PVS1, PM2, PM3

GeneDx
Classification: Pathogenic. Last evaluated: 2023-07-05. Review status: criteria provided, single submitter. Criteria: GeneDx Variant Classification Process June 2021. Collection method: clinical testing. Allele origin: germline. Affected: yes.
Comment: Frameshift variant predicted to result in protein truncation, as the last 95 amino acids are replaced with 12 different amino acids, and other loss-of-function variants have been reported downstream in the Human Gene Mutation Database (HGMD); This variant is associated with the following publications: (PMID: 20598281, 24284555, 27858754, 30609409, 36344503)

Women's Health and Genetics/Laboratory Corporation of America, LabCorp
Classification: Pathogenic for Combined oxidative phosphorylation defect type 7. Last evaluated: 2022-10-19. Review status: criteria provided, single submitter. Criteria: LabCorp Variant Classification Summary - May 2015. Collection method: clinical testing. Allele origin: germline.
Comment: Variant summary: C12orf65 c.210delA (p.Gly72AlafsX13) results in a premature termination codon, predicted to cause a truncation of the encoded protein or absence of the protein due to nonsense mediated decay. One study of C12orf65 mRNA from a homozygous patient showed the level of the C12orf65 mRNA was not significantly reduced, suggesting that nonsense-mediated mRNA decay does not contribute to the loss of function of the C12orf65 gene product (Antonicka_2010). Truncations downstream of this position have been reported with various Mitochondrial disorders in HGMD. The variant allele was found at a frequency of 0.00018 in 251348 control chromosomes. c.210delA has been reported in the literature in multiple individuals affected mitochondrial disorders including Leigh syndrome, optic atrophy, and ophthalmoplegia (examples: Antonicka_2010, Heidary_2014, Wesolowska_2015, Schon_2021). These data indicate that the variant is very likely to be associated with disease. Seven clinical diagnostic laboratories have submitted clinical-significance assessments for this variant to ClinVar after 2014 without evidence for independent evaluation. All laboratories classified the variant as pathogenic/likely pathogenic. Based on the evidence outlined above, the variant was classified as pathogenic.

Revvity Omics, Revvity
Classification: Pathogenic. Last evaluated: 2020-09-23. Review status: criteria provided, single submitter. Criteria: ACMG Guidelines, 2015. Collection method: clinical testing. Allele origin: germline.

Illumina Laboratory Services, Illumina
Classification: Likely pathogenic for Combined oxidative phosphorylation defect type 7. Last evaluated: 2018-08-23. Review status: criteria provided, single submitter. Criteria: ICSL Variant Classification Criteria 09 May 2019. Collection method: clinical testing. Allele origin: germline.
Comment: The C12orf65 c.210delA (p.Gly72AlafsTer13) variant results in a frameshift and is predicted to result in premature termination of the protein. The p.Gly72AlafsTer13 variant has been reported in three studies and is found in four probands with combined oxidative phosphorylation deficiency (COXPD) including in two in a homozygous state and in two siblings in a compound heterozygous state (Antonicka et al. 2010; Heidary et al. 2014; Wesolowska et al. 2015). Control data are unavailable for this variant, which is reported at a frequency of 0.00032 in the European (non-Finnish) population of the Exome Aggregation Consortium. The p.Gly72AlafsTer13 variant resulted in reduced complex IV activity and reduced quantities of complex I, IV, and V in proband fibroblasts (Antonicka et al. 2010; Heidary et al. 2014; Wesolowska et al. 2015). Based on the potential impact of frameshift variants and available evidence, the p.Gly72AlafsTer13 variant is classified as pathogenic for combined oxidative phosphorylation deficiency. This variant was observed by ICSL as part of a predisposition screen in an ostensibly healthy population.

Laboratory for Molecular Medicine, Mass General Brigham Personalized Medicine
Classification: Pathogenic for Combined oxidative phosphorylation defect type 7. Last evaluated: 2016-12-19. Review status: criteria provided, single submitter. Criteria: LMM Criteria. Collection method: clinical testing. Allele origin: germline. Inheritance: Autosomal recessive inheritance. Observed: 1 variant allele.
Comment: The p.Gly72AlafsX13 variant in C12orf65 has been reported in 2 homozygous and 1 compound heterozygous probands with clinical features of combined oxidative phos phorylation deficiency type 7 (COXPD7) and segregated with disease in one additi onal affected sibling (Antonika 2010, Heidary 2013, Wesolowska 2015). This varia nt has also been identified in 1/8254 of European chromosomes by the NHLBI Exome Sequencing Project (dbSNP rs57646274). This variant is predicted to cause a frameshift, which alters the protein?s amino aci d sequence beginning at position 72 and leads to a premature termination codon 1 3 amino acids downstream. This alteration is then predicted to lead to a truncat ed or absent protein. Biallelic loss of function of the C12orf65 gene has been a ssociated with COXPD7. In summary, this variant meets criteria to be classified as pathogenic for COXPD7 in an autosomal recessive manner based upon its occurr ence in affected individuals and predicted functional impact.

OMIM
Classification: Pathogenic for COMBINED OXIDATIVE PHOSPHORYLATION DEFICIENCY 7. Last evaluated: 2010-07-09. Review status: no assertion criteria provided. Collection method: literature only. Allele origin: germline. Not counted in ClinVar's aggregate classification.

Clinical Genetics DNA and cytogenetics Diagnostics Lab, Erasmus MC, Erasmus Medical Center
Classification: Pathogenic. Review status: no assertion criteria provided. Collection method: clinical testing. Allele origin: germline. Affected: yes. Study: VKGL Data-share Consensus. Not counted in ClinVar's aggregate classification.

Diagnostic Laboratory, Department of Genetics, University Medical Center Groningen
Classification: Pathogenic. Review status: no assertion criteria provided. Collection method: clinical testing. Allele origin: germline. Affected: yes. Study: VKGL Data-share Consensus. Not counted in ClinVar's aggregate classification.

Literature cited by the submitters: PubMed 20598281 (cited by 6 submitters); PubMed 24284555 (cited by 5 submitters); PubMed 27858754 (cited by 5 submitters); PubMed 34732400 (cited by Mayo Clinic Laboratories, Mayo Clinic and Women's Health and Genetics/Laboratory Corporation of America, LabCorp); PubMed 36344503 (cited by Mayo Clinic Laboratories, Mayo Clinic).